The following is an entry in ClinVar:

ClinVar aggregate classification (germline): Likely benign (1 of 4 stars; one submission).

Allele frequency attached by ClinVar (database versions not stated): 1000 Genomes Project 30x 0.00094; 1000 Genomes Project 0.00100.

Submission:

CeGaT Center for Human Genetics Tuebingen
Classification: Likely benign. Last evaluated: 2026-08-01. Review status: criteria provided, single submitter. Criteria: CeGaT Center For Human Genetics Tuebingen Variant Classification Criteria Version 2. Collection method: clinical testing. Allele origin: germline. Affected: yes. Observed: 4 variant alleles.
Comment: MOG: BP4, BP7

NM_206809.4(MOG):c.636T>C (p.Phe212=)

Gene: MOG (myelin oligodendrocyte glycoprotein; plus strand). Cytogenetic location: 6p22.1.
Variant type: single nucleotide variant.
Coding change: c.636T>C on transcript NM_206809.4 (MANE Select); coding-DNA position 636, T replaced by C.
Protein change: p.Phe212=; no amino-acid change (phenylalanine 212 retained).
Molecular consequence: synonymous variant. On other transcripts: intron variant (6).
Genome position (GRCh38, 1-based): chr6:29,670,324, T>C. VCF-style: chr6-29670324-T-C. GRCh37 (hg19) VCF-style: chr6-29638101-T-C.
Other names: c.288T>C, p.Phe96= (NM_001170417.1, NM_206814.6); c.636T>C, p.Phe212= (NM_001363610.2, NM_002433.5); c.640+103T>C (NM_001008228.3, NM_206811.4); c.593-377T>C (NM_206812.4, NM_206810.4); c.593-1098T>C (NM_001008229.3); c.292+103T>C (NM_001170418.2).
Identifiers: ClinVar variation 2656323 (VCV002656323.24), dbSNP rs112913018, ClinGen allele CA3690556.
Genomic context (GRCh38, chr6:29,670,324, plus strand): 5'-TCTGGTGAACAATTCAGATCCCCACTTTCTGAGGGTGCCCTGCTGGAAGATAACCCTGTT[T>C]GTAATTGTGCCGGTTCTTGGACCCTTGGTTGCCTTGATCATCTGCTACAACTGGCTACAT-3'
Protein context (NP_996532.2, residues 202-222): LRVPCWKITL[Phe212=]VIVPVLGPLV